The following is an entry in ClinVar:

NM_001204.7(BMPR2):c.2850T>G (p.Asp950Glu)

Gene: BMPR2 (bone morphogenetic protein receptor type 2; plus strand). Cytogenetic location: 2q33.2.
Variant type: single nucleotide variant.
Coding change: c.2850T>G on transcript NM_001204.7 (MANE Select); coding-DNA position 2850, T replaced by G.
Protein change: p.Asp950Glu; replaces aspartic acid 950 with glutamic acid.
Molecular consequence: missense variant.
Genome position (GRCh38, 1-based): chr2:202,556,515, T>G. VCF-style: chr2-202556515-T-G. GRCh37 (hg19) VCF-style: chr2-203421238-T-G.
Other names: short protein forms D950E.
Identifiers: ClinVar variation 4597102 (VCV004597102.1).

ClinVar aggregate classification (germline): Uncertain significance (1 of 4 stars; one submission).

Conditions:
Inborn genetic diseases. Identifiers: MedGen C0950123, MeSH D030342.

Submission:

Ambry Genetics
Classification: Uncertain significance for Inborn genetic diseases. Last evaluated: 2025-09-22. Review status: criteria provided, single submitter. Criteria: Ambry Variant Classification Scheme 2023. Collection method: clinical testing. Allele origin: germline.
Comment: The p.D950E variant (also known as c.2850T>G), located in coding exon 12 of the BMPR2 gene, results from a T to G substitution at nucleotide position 2850. The aspartic acid at codon 950 is replaced by glutamic acid, an amino acid with highly similar properties. This amino acid position is conserved. In addition, the in silico prediction for this alteration is inconclusive. Based on the available evidence, the clinical significance of this variant remains unclear.